The following is an entry in ClinVar:

NM_138694.4(PKHD1):c.2822-1G>C

Gene: PKHD1 (PKHD1 ciliary IPT domain containing fibrocystin/polyductin; minus strand). Cytogenetic location: 6p12.2.
Variant type: single nucleotide variant.
Coding change: c.2822-1G>C on transcript NM_138694.4 (MANE Select); the canonical splice acceptor site of the intron before coding-DNA position 2822, G replaced by C.
Molecular consequence: splice acceptor variant.
Genome position (GRCh38, 1-based): chr6:52,043,135, C>G on the plus strand (G>C on the coding strand, the complement: PKHD1 is on the minus strand). VCF-style: chr6-52043135-C-G. GRCh37 (hg19) VCF-style: chr6-51907933-C-G.
Other names: c.2822-1G>C (NM_170724.3).
Identifiers: ClinVar variation 555914 (VCV000555914.7), dbSNP rs1554208257, ClinGen allele CA364442491.

ClinVar aggregate classification (germline): Likely pathogenic. Review status: criteria provided, multiple submitters, no conflicts (2 of 4 stars). 4 submissions from 4 submitters: Likely pathogenic (3). 1 of the submissions does not count toward it. Last evaluated 2024-12-23.

Conditions:
Autosomal recessive polycystic kidney disease (ARPKD). Also called: AR polycystic kidney disease. Identifiers: Orphanet 731, Orphanet 8378, MedGen C0085548, MeSH D017044, MONDO:0009889.
Polycystic kidney disease 4 (PKD4). Also called: POLYCYSTIC KIDNEY DISEASE 4 WITH OR WITHOUT POLYCYSTIC LIVER DISEASE; POLYCYSTIC KIDNEY AND HEPATIC DISEASE 1; POLYCYSTIC KIDNEY DISEASE, INFANTILE, TYPE I; PKD3; Autosomal Recessive Polycystic Kidney Disease – PKHD1. Identifiers: MedGen C4540575, MONDO:0033004, OMIM 263200.

Submissions (4):

Natera, Inc.
Classification: Likely pathogenic for Autosomal recessive polycystic kidney disease. Last evaluated: 2024-12-23. Review status: criteria provided, single submitter. Criteria: Natera Variant Classification Schema (03/2026). Collection method: clinical testing. Allele origin: germline.
Comment: The c.2822-1G>C variant in PKHD1 is a canonical splice acceptor site variant predicted to affect pre-mRNA splicing, which may result in an abnormal transcript and altered protein product. This variant is expected to result in nonsense mediated decay, truncation, or a dysfunctional protein product. This variant is rare in the general population with a frequency below the threshold expected for the associated phenotype(s). Given the available evidence, this variant is classified as Likely Pathogenic.

Labcorp Genetics (formerly Invitae), Labcorp
Classification: Likely pathogenic for Autosomal recessive polycystic kidney disease. Last evaluated: 2023-09-24. Review status: criteria provided, single submitter. Criteria: Invitae Variant Classification Sherloc (09022015). Collection method: clinical testing. Allele origin: germline.
Comment: In summary, the currently available evidence indicates that the variant is pathogenic, but additional data are needed to prove that conclusively. Therefore, this variant has been classified as Likely Pathogenic. Algorithms developed to predict the effect of sequence changes on RNA splicing suggest that this variant may disrupt the consensus splice site. ClinVar contains an entry for this variant (Variation ID: 555914). This variant has not been reported in the literature in individuals affected with PKHD1-related conditions. This variant is not present in population databases (gnomAD no frequency). This sequence change affects an acceptor splice site in intron 26 of the PKHD1 gene. It is expected to disrupt RNA splicing. Variants that disrupt the donor or acceptor splice site typically lead to a loss of protein function (PMID: 16199547), and loss-of-function variants in PKHD1 are known to be pathogenic (PMID: 19940839).

Baylor Genetics
Classification: Likely pathogenic for Polycystic kidney disease 4. Last evaluated: 2023-07-19. Review status: criteria provided, single submitter. Criteria: ACMG Guidelines, 2015. Collection method: clinical testing. Allele origin: unknown.

Counsyl
Classification: Likely pathogenic for Polycystic kidney disease 4. Last evaluated: 2018-01-03. Review status: no assertion criteria provided. Collection method: clinical testing. Allele origin: unknown. Not counted in ClinVar's aggregate classification.

Literature cited by the submitters: PubMed 16199547 (cited by Labcorp Genetics (formerly Invitae), Labcorp); PubMed 19940839 (cited by Labcorp Genetics (formerly Invitae), Labcorp).